The following is an entry in ClinVar:

ClinVar aggregate classification (germline): Likely pathogenic (1 of 4 stars; one submission).

Conditions:
Rare genetic deafness. Identifiers: Orphanet 96210, MedGen C5680250.

Allele frequency attached by ClinVar (database versions not stated): TOPMed 0.00001.
gnomAD v4.1: 2 of 1,614,232 alleles (0.00012%); highest among the groups gnomAD compares: East Asian, 0.0022%; no homozygotes.

Submissions (2):

Laboratory for Molecular Medicine, Mass General Brigham Personalized Medicine
Classification: Likely pathogenic for Rare genetic deafness. Last evaluated: 2017-09-03. Review status: criteria provided, single submitter. Criteria: LMM Criteria. Collection method: clinical testing. Allele origin: germline. Inheritance: Autosomal recessive inheritance. Observed: 1 variant allele.
Comment: The p.Glu227X variant in SERPINB6 has not been previously reported in individual s with hearing loss, but has been identified in 1/17248 East Asian chromosomes b y the Genome Aggregation Database (gnomAD). A lthough this variant has been seen in the general population, its frequency is l ow enough to be consistent with a recessive carrier frequency. This nonsense var iant leads to a premature termination codon at position 227, which is predicted to lead to a truncated or absent protein. There is moderate evidence suggesting that truncating variants in SERPINB6 result in autosomal recessive hearing loss. One report describes a consanguineous family that were homozygous for a nonsens e variant (p.Glu245X) which segregated with hearing loss in four affected family members, and SERPINB6 protein expression was absent in leukocytes of homozygote s (Sirmaci 2010). Another study reported a proband with hearing loss who was com pound heterozygous for a frameshift and a canonical splice site variant (Kim 201 5). In addition, the SERPINB6 protein was also shown to be expressed in the mous e inner ear (Sirmaci 2010), and a knockout mouse model was shown to display hear ing loss and progressive cellular degeneration in the cochlea (Tan 2013). In sum mary, although additional evidence is needed to further support the gene-disease association, the p.Gly227X variant in SERPINB6 is likely pathogenic for autosom al recessive hearing loss.

Dr. Peter K. Rogan Lab, Western University
No classification provided (evidence only). Condition: Melanoma. Review status: no classification provided. Collection method: in vitro. Allele origin: not applicable. Functional consequence: retained intron. Not counted in ClinVar's aggregate classification.

Literature cited by the submitters: PubMed 25719458 (cited by Laboratory for Molecular Medicine, Mass General Brigham Personalized Medicine); PubMed 20451170 (cited by Laboratory for Molecular Medicine, Mass General Brigham Personalized Medicine); PubMed 23669344 (cited by Laboratory for Molecular Medicine, Mass General Brigham Personalized Medicine).

NM_004568.6(SERPINB6):c.679G>T (p.Glu227Ter)

Gene: SERPINB6 (serpin family B member 6; minus strand). Cytogenetic location: 6p25.2.
Variant type: single nucleotide variant.
Coding change: c.679G>T on transcript NM_004568.6 (MANE Select); coding-DNA position 679, G replaced by T.
Protein change: p.Glu227Ter; replaces glutamic acid 227 with a stop codon.
Molecular consequence: nonsense. On other transcripts: non-coding transcript variant (1).
Genome position (GRCh38, 1-based): chr6:2,948,964, C>A on the plus strand (G>T on the coding strand, the complement: SERPINB6 is on the minus strand). VCF-style: chr6-2948964-C-A. GRCh37 (hg19) VCF-style: chr6-2949198-C-A.
Other names: c.691G>T, p.Glu231Ter (NM_001195291.3, NM_001374515.1); c.721G>T, p.Glu241Ter (NM_001271822.2); c.736G>T, p.Glu246Ter (NM_001271823.2); c.679G>T, p.Glu227Ter (NM_001271824.2, NM_001271825.2, NM_001297699.2 and 2 more transcripts); c.547G>T, p.Glu183Ter (NM_001374517.1); short protein forms E231*, E246*, E227*, E241*, E183*.
Identifiers: ClinVar variation 506010 (VCV000506010.6), dbSNP rs1201327476, ClinGen allele CA362580684.